The following is an entry in ClinVar:

NM_205836.3(FBXO38):c.3170+11_3170+12delinsCC

Gene: FBXO38 (F-box protein 38; plus strand). Cytogenetic location: 5q32.
Variant type: Indel.
Coding change: c.3170+11_3170+12delinsCC on transcript NM_205836.3 (MANE Select); bases 11 to 12 of the intron after coding-DNA position 3170, TT replaced by CC.
Molecular consequence: intron variant.
Genome position (GRCh38, 1-based): chr5:148,439,803-148,439,804, TT replaced by CC. VCF-style: chr5-148439803-TT-CC. GRCh37 (hg19) VCF-style: chr5-147819366-TT-CC.
Other names: c.2945+11_2945+12delinsCC (NM_030793.5); c.2435+11_2435+12delinsCC (NM_001271723.2).
Identifiers: ClinVar variation 2195366 (VCV002195366.4), dbSNP rs2531859706, ClinGen allele CA2580073057.
Genomic context (GRCh38, chr5:148,439,803, plus strand): 5'-AATAAGGTGCGCATTCGCAGCTGGATGGACACTATAGCAAACATCAATCAGTAAGTAACT[TT>CC]GTGGCCCTTAAAGGCCTTTTGAGTCATTTCTCATAGCAGGGACTCCCAGAAGCAAATCCC-3'

ClinVar aggregate classification (germline): Uncertain significance (1 of 4 stars; one submission).

Conditions:
Distal hereditary motor neuropathy type 2. Identifiers: Orphanet 139525, MedGen C3711384, MeSH C580044, MONDO:0015352.

Submission:

Labcorp Genetics (formerly Invitae), Labcorp
Classification: Uncertain significance for Distal hereditary motor neuropathy type 2. Last evaluated: 2022-09-28. Review status: criteria provided, single submitter. Criteria: Invitae Variant Classification Sherloc (09022015). Collection method: clinical testing. Allele origin: germline.
Comment: Information on the frequency of this variant in the gnomAD database is not available, as this variant may be reported differently in the database. This sequence change falls in intron 19 of the FBXO38 gene. It does not directly change the encoded amino acid sequence of the FBXO38 protein. This variant has not been reported in the literature in individuals affected with FBXO38-related conditions. Experimental studies and prediction algorithms are not available or were not evaluated, and the effect of this variant on mRNA splicing is currently unknown. In summary, the available evidence is currently insufficient to determine the role of this variant in disease. Therefore, it has been classified as a Variant of Uncertain Significance.